The following is an entry in ClinVar:

NM_006254.4(PRKCD):c.377-10T>C

Gene: PRKCD (protein kinase C delta; plus strand). Cytogenetic location: 3p21.1.
Variant type: single nucleotide variant.
Coding change: c.377-10T>C on transcript NM_006254.4 (MANE Select); 10 bases into the intron before coding-DNA position 377, T replaced by C.
Molecular consequence: intron variant.
Genome position (GRCh38, 1-based): chr3:53,181,434, T>C. VCF-style: chr3-53181434-T-C. GRCh37 (hg19) VCF-style: chr3-53215450-T-C.
Other names: c.377-10T>C (NM_001354680.2, NM_001354679.2, NM_212539.2 and 1 more transcripts); c.434-10T>C (NM_001354676.2); c.425-10T>C (NM_001354678.2).
Identifiers: ClinVar variation 948976 (VCV000948976.6), dbSNP rs782061483, ClinGen allele CA2451783.

ClinVar aggregate classification (germline): Uncertain significance (1 of 4 stars; one submission).

Conditions:
Autoimmune lymphoproliferative syndrome, type III caused by mutation in PRKCD. Identifiers: Orphanet 3261, Orphanet 664711, MedGen C3809928, MONDO:8000024, OMIM 615559.

Allele frequency attached by ClinVar (database versions not stated): gnomAD exomes below 0.00001; gnomAD 0.00001; ExAC 0.00002.
gnomAD v4.1: 4 of 1,614,006 alleles (0.00025%); highest among the groups gnomAD compares: Non-Finnish European, 0.00034%; no homozygotes.

Submission:

Labcorp Genetics (formerly Invitae), Labcorp
Classification: Uncertain significance for Autoimmune lymphoproliferative syndrome, type III caused by mutation in PRKCD. Last evaluated: 2022-07-21. Review status: criteria provided, single submitter. Criteria: Invitae Variant Classification Sherloc (09022015). Collection method: clinical testing. Allele origin: germline.
Comment: In summary, the available evidence is currently insufficient to determine the role of this variant in disease. Therefore, it has been classified as a Variant of Uncertain Significance. Algorithms developed to predict the effect of sequence changes on RNA splicing suggest that this variant may create or strengthen a splice site. ClinVar contains an entry for this variant (Variation ID: 948976). This variant has not been reported in the literature in individuals affected with PRKCD-related conditions. This variant is present in population databases (rs782061483, gnomAD 0.002%). This sequence change falls in intron 5 of the PRKCD gene. It does not directly change the encoded amino acid sequence of the PRKCD protein.